The following is an entry in ClinVar:

NM_005751.5(AKAP9):c.9235A>G (p.Met3079Val)

Gene: AKAP9 (A-kinase anchoring protein 9; plus strand). Cytogenetic location: 7q21.2.
Variant type: single nucleotide variant.
Coding change: c.9235A>G on transcript NM_005751.5 (MANE Select); coding-DNA position 9235, A replaced by G.
Protein change: p.Met3079Val; replaces methionine 3079 with valine.
Molecular consequence: missense variant.
Genome position (GRCh38, 1-based): chr7:92,089,406, A>G. VCF-style: chr7-92089406-A-G. GRCh37 (hg19) VCF-style: chr7-91718720-A-G.
Other names: c.3880A>G, p.Met1294Val (NM_001379277.1); c.9211A>G, p.Met3071Val (NM_147185.3); short protein forms M1294V, M3071V, M3079V.
Identifiers: ClinVar variation 3017496 (VCV003017496.4), dbSNP rs761190206, ClinGen allele CA4337695.

ClinVar aggregate classification (germline): Uncertain significance. Review status: criteria provided, multiple submitters, no conflicts (2 of 4 stars). 2 submissions from 2 submitters: Uncertain significance (2). Last evaluated 2026-01-05.

Conditions:
Cardiovascular phenotype. Identifiers: MedGen CN230736.
Long QT syndrome (LQTS). Identifiers: MedGen C0023976, MeSH D008133, MONDO:0002442. Disease mechanism: loss of function. Inheritance: Various modes of inheritance.

Allele frequency attached by ClinVar (database versions not stated): ExAC 0.00002; gnomAD exomes 0.00010.

Submissions (2):

Labcorp Genetics (formerly Invitae), Labcorp
Classification: Uncertain significance for Long QT syndrome. Last evaluated: 2026-01-05. Review status: criteria provided, single submitter. Criteria: Invitae Variant Classification Sherloc (09022015). Collection method: clinical testing. Allele origin: germline.
Comment: This sequence change replaces methionine, which is neutral and non-polar, with valine, which is neutral and non-polar, at codon 3079 of the AKAP9 protein (p.Met3079Val). This variant is present in population databases (rs761190206, gnomAD 0.01%). This variant has not been reported in the literature in individuals affected with AKAP9-related conditions. ClinVar contains an entry for this variant (Variation ID: 3017496). An algorithm developed to predict the effect of missense changes on protein structure and function (PolyPhen-2) suggests that this variant is likely to be tolerated. In summary, the available evidence is currently insufficient to determine the role of this variant in disease. Therefore, it has been classified as a Variant of Uncertain Significance.

Ambry Genetics
Classification: Uncertain significance for Cardiovascular phenotype. Last evaluated: 2025-05-10. Review status: criteria provided, single submitter. Criteria: Ambry Variant Classification Scheme 2023. Collection method: clinical testing. Allele origin: germline.
Comment: The p.M3079V variant (also known as c.9235A>G), located in coding exon 38 of the AKAP9 gene, results from an A to G substitution at nucleotide position 9235. The methionine at codon 3079 is replaced by valine, an amino acid with highly similar properties. This amino acid position is conserved. In addition, this alteration is predicted to be tolerated by in silico analysis. Based on the available evidence, the clinical significance of this variant remains unclear.